The following is an entry in ClinVar:

NM_006648.4(WNK2):c.1662G>T (p.Glu554Asp)

Gene: WNK2 (WNK lysine deficient protein kinase 2; plus strand). Cytogenetic location: 9q22.31.
Variant type: single nucleotide variant.
Coding change: c.1662G>T on transcript NM_006648.4 (MANE Select); coding-DNA position 1662, G replaced by T.
Protein change: p.Glu554Asp; replaces glutamic acid 554 with aspartic acid.
Molecular consequence: missense variant.
Genome position (GRCh38, 1-based): chr9:93,247,662, G>T. VCF-style: chr9-93247662-G-T. GRCh37 (hg19) VCF-style: chr9-96009944-G-T.
Other names: c.1662G>T, p.Glu554Asp (NM_001282394.3); short protein forms E554D.
Identifiers: ClinVar variation 4866666 (VCV004866666.1).

ClinVar aggregate classification (germline): Uncertain significance (1 of 4 stars; one submission).

Submission:

Ambry Genetics
Classification: Uncertain significance. Last evaluated: 2026-05-14. Review status: criteria provided, single submitter. Criteria: Ambry Variant Classification Scheme 2023. Collection method: clinical testing. Allele origin: germline.
Comment: The p.E554D variant (also known as c.1662G>T), located in coding exon 7 of the WNK2 gene, results from a G to T substitution at nucleotide position 1662. The glutamic acid at codon 554 is replaced by aspartic acid, an amino acid with highly similar properties. This amino acid position is conserved. In addition, this alteration is predicted to be tolerated by in silico analysis. Based on the available evidence, the clinical significance of this variant remains unclear.